The following is an entry in ClinVar:

ClinVar aggregate classification (germline): Uncertain significance (1 of 4 stars; one submission).

Conditions:
Spondyloepiphyseal dysplasia tarda, X-linked. Also called: SED TARDA, X-LINKED. Identifiers: MedGen C3541456, MONDO:0010737, OMIM 313400.

Submission:

Juno Genomics, Hangzhou Juno Genomics, Inc
Classification: Uncertain significance for Spondyloepiphyseal dysplasia tarda, X-linked. Review status: criteria provided, single submitter. Criteria: ACMG Guidelines, 2015. Collection method: clinical testing. Allele origin: germline. Affected: yes.
Comment: Absent from controls (or at extremely low frequency if recessive) in Genome Aggregation Database, Exome Sequencing Project, 1000 Genomes Project, or Exome Aggregation Consortium.;Patient's phenotype or family history is highly specific for a disease with a single genetic etiology.

NM_001011658.4(TRAPPC2):c.-19-2_-19delinsGGA

Genes: OFD1 (OFD1 centriole and centriolar satellite protein; plus strand), TRAPPC2 (trafficking protein particle complex subunit 2; minus strand). Cytogenetic location: Xp22.2.
Variant type: Indel.
Coding change: c.-19-2_-19delinsGGA on transcript NM_001011658.4 (MANE Select); the canonical splice acceptor site of the intron before 19 bases upstream of the start codon through 19 bases upstream of the start codon, AGG replaced by GGA.
Molecular consequence: splice acceptor variant.
Genome position (GRCh38, 1-based): chrX:13,719,982-13,719,984, CCT replaced by TCC on the plus strand (AGG replaced by GGA on the coding strand, the reverse complement: TRAPPC2 is on the minus strand). VCF-style: chrX-13719982-CCT-TCC. GRCh37 (hg19) VCF-style: chrX-13738101-CCT-TCC.
Other names: c.-19-2_-19delinsGGA (NM_014563.6); c.84-2_84delinsGGA (NM_001128835.3).
Identifiers: ClinVar variation 3382470 (VCV003382470.2).